The following is an entry in ClinVar:

NM_032043.3(BRIP1):c.*15C>G

Gene: BRIP1 (BRCA1 interacting DNA helicase 1; minus strand). Cytogenetic location: 17q23.2.
Variant type: single nucleotide variant.
Coding change: c.*15C>G on transcript NM_032043.3 (MANE Select); 15 bases downstream of the stop codon, C replaced by G.
Molecular consequence: 3 prime UTR variant.
Genome position (GRCh38, 1-based): chr17:61,683,281, G>C on the plus strand (C>G on the coding strand, the complement: BRIP1 is on the minus strand). VCF-style: chr17-61683281-G-C. GRCh37 (hg19) VCF-style: chr17-59760642-G-C.
Identifiers: ClinVar variation 388417 (VCV000388417.3), dbSNP rs1057523100, ClinGen allele CA16607734.

ClinVar aggregate classification (germline): Likely benign. Review status: criteria provided, single submitter (1 of 4 stars). 2 submissions from 2 submitters: Likely benign (1). 1 of the submissions does not count toward it. Last evaluated 2016-08-08.

Conditions:
Malignant tumor of breast. Also called: Malignant breast neoplasm; Cancer breast. Identifiers: MedGen C0006142, MONDO:0007254. Disease mechanism: loss of function.

Submissions (2):

GeneDx
Classification: Likely benign. Last evaluated: 2016-08-08. Review status: criteria provided, single submitter. Criteria: GeneDx Variant Classification (06012015). Collection method: clinical testing. Allele origin: germline. Affected: yes.
Comment: This variant is considered likely benign or benign based on one or more of the following criteria: it is a conservative change, it occurs at a poorly conserved position in the protein, it is predicted to be benign by multiple in silico algorithms, and/or has population frequency not consistent with disease.

Department of Pathology and Laboratory Medicine, Sinai Health System
Classification: Likely benign for Malignant tumor of breast. Review status: no assertion criteria provided. Collection method: clinical testing. Allele origin: unknown. Affected: yes. Study: The Canadian Open Genetics Repository (COGR). Not counted in ClinVar's aggregate classification.
Comment: The BRIP1 c.*15C>G variant was not identified in the literature. The variant was identified in dbSNP (ID: rs1057523100) as "With Likely benign allele" and ClinVar (classified as likely benign by GeneDx). The variant was not identified in the following control databases: the Exome Aggregation Consortium (August 8th 2016) or the Genome Aggregation Database (Feb 27, 2017). The variant occurs outside of the splicing consensus sequence and in silico or computational prediction software programs (SpliceSiteFinder, MaxEntScan, NNSPLICE, GeneSplicer) do not predict a difference in splicing. In summary, based on the above information, the clinical significance of this variant cannot be determined with certainty at this time although we would lean towards a more benign role for this variant. This variant is classified as likely benign.